The following is an entry in ClinVar:

ClinVar aggregate classification (germline): Uncertain significance (1 of 4 stars; one submission).

Conditions:
Hereditary cancer-predisposing syndrome. Also called: Hereditary neoplastic syndrome; Hereditary Cancer Syndrome; Tumor predisposition; Neoplastic Syndromes, Hereditary. Identifiers: Orphanet 140162, MedGen C0027672, MeSH D009386, MONDO:0015356.

Submission:

Sema4
Classification: Uncertain significance for Hereditary cancer-predisposing syndrome. Last evaluated: 2021-06-08. Review status: criteria provided, single submitter. Criteria: Sema4 Curation Guidelines. Collection method: curation. Allele origin: germline.
Comment: To the best of our knowledge, the CDKN2A c.243C>A (p.P81=) variant has not been reported in individuals with CDKN2A-related disease. This variant is not reported in the population database Genome Aggregation Database (PMID: 32461654). This variant has not been reported in ClinVar. In silico tools suggest the variant may potentially have an impact on splicing, though these predictions have not been confirmed by functional studies. The evidence is insufficient to meet ACMG/AMP criteria for classifying the variant as benign or pathogenic. Thus, the clinical significance of this variant is currently uncertain.

NM_000077.5(CDKN2A):c.243C>A (p.Pro81=)

Gene: CDKN2A (cyclin dependent kinase inhibitor 2A; minus strand). Cytogenetic location: 9p21.3.
Variant type: single nucleotide variant.
Coding change: c.243C>A on transcript NM_000077.5; coding-DNA position 243, C replaced by A.
Protein change: p.Pro81=; no amino-acid change (proline 81 retained).
Molecular consequence: synonymous variant (on NM_000077.6). On other transcripts: missense variant (1), 3 prime UTR variant (1).
Genome position (GRCh38, 1-based): chr9:21,971,116, G>T on the plus strand (C>A on the coding strand, the complement: CDKN2A is on the minus strand). VCF-style: chr9-21971116-G-T. GRCh37 (hg19) VCF-style: chr9-21971115-G-T.
Other names: c.243C>A, p.Pro81= (NM_000077.6, NM_001195132.2); c.90C>A, p.Pro30= (NM_001363763.2); c.286C>A, p.Arg96Ser (NM_058195.4); c.*166C>A (NM_058197.5); short protein forms R96S.
Identifiers: ClinVar variation 1692139 (VCV001692139.1), dbSNP rs1060504185, ClinGen allele CA373086244.